The following is an entry in ClinVar:

NM_033109.5(PNPT1):c.1148C>T (p.Ser383Leu)

Gene: PNPT1 (polyribonucleotide nucleotidyltransferase 1; minus strand). Cytogenetic location: 2p16.1.
Variant type: single nucleotide variant.
Coding change: c.1148C>T on transcript NM_033109.5 (MANE Select); coding-DNA position 1148, C replaced by T.
Protein change: p.Ser383Leu; replaces serine 383 with leucine.
Molecular consequence: missense variant.
Genome position (GRCh38, 1-based): chr2:55,667,019, G>A on the plus strand (C>T on the coding strand, the complement: PNPT1 is on the minus strand). VCF-style: chr2-55667019-G-A. GRCh37 (hg19) VCF-style: chr2-55894154-G-A.
Other names: short protein forms S383L.
Identifiers: ClinVar variation 1713872 (VCV001713872.5), dbSNP rs757766273, ClinGen allele CA1668215.

ClinVar aggregate classification (germline): Uncertain significance (1 of 4 stars; one submission).

Allele frequency attached by ClinVar (database versions not stated): ExAC 0.00001; TOPMed 0.00001.
gnomAD v4.1: 8 of 1,599,506 alleles (0.0005%); highest among the groups gnomAD compares: Non-Finnish European, 0.00068%; no homozygotes.

Submission:

Labcorp Genetics (formerly Invitae), Labcorp
Classification: Uncertain significance. Last evaluated: 2022-09-13. Review status: criteria provided, single submitter. Criteria: Invitae Variant Classification Sherloc (09022015). Collection method: clinical testing. Allele origin: germline.
Comment: Algorithms developed to predict the effect of sequence changes on RNA splicing suggest that this variant may disrupt the consensus splice site. In summary, the available evidence is currently insufficient to determine the role of this variant in disease. Therefore, it has been classified as a Variant of Uncertain Significance. Advanced modeling of protein sequence and biophysical properties (such as structural, functional, and spatial information, amino acid conservation, physicochemical variation, residue mobility, and thermodynamic stability) performed at Invitae indicates that this missense variant is expected to disrupt PNPT1 protein function. This sequence change replaces serine, which is neutral and polar, with leucine, which is neutral and non-polar, at codon 383 of the PNPT1 protein (p.Ser383Leu). This variant is present in population databases (rs757766273, gnomAD 0.0009%). This variant has not been reported in the literature in individuals affected with PNPT1-related conditions.